The following is an entry in ClinVar:

ClinVar aggregate classification (germline): Uncertain significance (1 of 4 stars; one submission).

Conditions:
Duchenne muscular dystrophy (DMD). Also called: MUSCULAR DYSTROPHY, PSEUDOHYPERTROPHIC PROGRESSIVE, DUCHENNE TYPE; Duchenne Muscular Dystrophy (DMD). Identifiers: Orphanet 98896, MedGen C0013264, MONDO:0010679, OMIM 310200.

Submission:

Labcorp Genetics (formerly Invitae), Labcorp
Classification: Uncertain significance for Duchenne muscular dystrophy. Last evaluated: 2022-08-16. Review status: criteria provided, single submitter. Criteria: Invitae Variant Classification Sherloc (09022015). Collection method: clinical testing. Allele origin: germline.
Comment: In summary, the available evidence is currently insufficient to determine the role of this variant in disease. Therefore, it has been classified as a Variant of Uncertain Significance. Algorithms developed to predict the effect of missense changes on protein structure and function (SIFT, PolyPhen-2, Align-GVGD) all suggest that this variant is likely to be tolerated. ClinVar contains an entry for this variant (Variation ID: 579055). This variant has not been reported in the literature in individuals affected with DMD-related conditions. This variant is not present in population databases (gnomAD no frequency). This sequence change replaces methionine, which is neutral and non-polar, with isoleucine, which is neutral and non-polar, at codon 424 of the DMD protein (p.Met424Ile).

NM_004006.3(DMD):c.1272G>A (p.Met424Ile)

Gene: DMD (dystrophin; minus strand). Cytogenetic location: Xp21.1.
Variant type: single nucleotide variant.
Coding change: c.1272G>A on transcript NM_004006.3 (MANE Select); coding-DNA position 1272, G replaced by A.
Protein change: p.Met424Ile; replaces methionine 424 with isoleucine.
Molecular consequence: missense variant.
Genome position (GRCh38, 1-based): chrX:32,644,191, C>T on the plus strand (G>A on the coding strand, the complement: DMD is on the minus strand). VCF-style: chrX-32644191-C-T. GRCh37 (hg19) VCF-style: chrX-32662308-C-T.
Other names: c.1248G>A, p.Met416Ile (NM_000109.4); c.1260G>A, p.Met420Ile (NM_004009.3); c.903G>A, p.Met301Ile (NM_004010.3); short protein forms M424I, M420I, M301I, M416I.
Identifiers: ClinVar variation 579055 (VCV000579055.9), dbSNP rs1569373686, ClinGen allele CA412660998.